The following is an entry in ClinVar:

ClinVar aggregate classification (germline): Uncertain significance (1 of 4 stars; one submission).

Conditions:
Ehlers-Danlos syndrome, dermatosparaxis type. Also called: EDS VIIC; Ehlers-Danlos syndrome, type VII, autosomal recessive; Dermatosparaxis. Identifiers: Orphanet 1901, MedGen C2700425, MONDO:0009161, OMIM 225410.

Allele frequency attached by ClinVar (database versions not stated): 1000 Genomes Project 30x 0.00016.
gnomAD v4.1: 24 of 1,612,924 alleles (0.0015%); highest among the groups gnomAD compares: Middle Eastern, 0.033%; no homozygotes.

Submission:

Labcorp Genetics (formerly Invitae), Labcorp
Classification: Uncertain significance for Ehlers-Danlos syndrome, dermatosparaxis type. Last evaluated: 2022-07-05. Review status: criteria provided, single submitter. Criteria: Invitae Variant Classification Sherloc (09022015). Collection method: clinical testing. Allele origin: germline.
Comment: This sequence change replaces arginine, which is basic and polar, with leucine, which is neutral and non-polar, at codon 241 of the ADAMTS2 protein (p.Arg241Leu). This variant is present in population databases (rs11750821, gnomAD 0.007%). This variant has not been reported in the literature in individuals affected with ADAMTS2-related conditions. ClinVar contains an entry for this variant (Variation ID: 1365598). Algorithms developed to predict the effect of missense changes on protein structure and function output the following: SIFT: "Tolerated"; PolyPhen-2: "Benign"; Align-GVGD: "Class C15". The leucine amino acid residue is found in multiple mammalian species, which suggests that this missense change does not adversely affect protein function. In summary, the available evidence is currently insufficient to determine the role of this variant in disease. Therefore, it has been classified as a Variant of Uncertain Significance.

NM_014244.5(ADAMTS2):c.722G>T (p.Arg241Leu)

Gene: ADAMTS2 (ADAM metallopeptidase with thrombospondin type 1 motif 2; minus strand). Cytogenetic location: 5q35.3.
Variant type: single nucleotide variant.
Coding change: c.722G>T on transcript NM_014244.5 (MANE Select); coding-DNA position 722, G replaced by T.
Protein change: p.Arg241Leu; replaces arginine 241 with leucine.
Molecular consequence: missense variant.
Genome position (GRCh38, 1-based): chr5:179,207,682, C>A on the plus strand (G>T on the coding strand, the complement: ADAMTS2 is on the minus strand). VCF-style: chr5-179207682-C-A. GRCh37 (hg19) VCF-style: chr5-178634683-C-A.
Other names: c.722G>T, p.Arg241Leu (NM_021599.4); short protein forms R241L.
Identifiers: ClinVar variation 1365598 (VCV001365598.5), dbSNP rs11750821, ClinGen allele CA3596192.